The following is an entry in ClinVar:

NM_000169.3(GLA):c.1160_1161delinsCT (p.Leu387Pro)

Genes: GLA (galactosidase alpha; minus strand), RPL36A-HNRNPH2 (RPL36A-HNRNPH2 readthrough; plus strand). Cytogenetic location: Xq22.1.
Variant type: Indel.
Coding change: c.1160_1161delinsCT on transcript NM_000169.3 (MANE Select); coding-DNA positions 1160 to 1161, TC replaced by CT.
Protein change: p.Leu387Pro; replaces leucine 387 with proline.
Molecular consequence: missense variant. On other transcripts: non-coding transcript variant (3), intron variant (2).
Genome position (GRCh38, 1-based): chrX:101,397,938-101,397,939, GA replaced by AG on the plus strand (TC replaced by CT on the coding strand, the reverse complement: GLA is on the minus strand). VCF-style: chrX-101397938-GA-AG. GRCh37 (hg19) VCF-style: chrX-100652926-GA-AG.
Other names: c.1283_1284delinsCT, p.Leu428Pro (NM_001406747.1); c.300+2481_300+2482delinsAG (NM_001199973.2); c.177+6116_177+6117delinsAG (NM_001199974.2); short protein forms L387P, L428P.
Identifiers: ClinVar variation 4974843 (VCV004974843.1).

ClinVar aggregate classification (germline): Likely pathogenic (1 of 4 stars; one submission).

Conditions:
Fabry disease. Also called: Fabry's disease; ALPHA-GALACTOSIDASE A DEFICIENCY; ANDERSON-FABRY DISEASE; CERAMIDE TRIHEXOSIDASE DEFICIENCY; GLA DEFICIENCY; HEREDITARY DYSTOPIC LIPIDOSIS. Identifiers: Orphanet 324, MedGen C0002986, MONDO:0010526, OMIM 301500, HP:0001071. Disease mechanism: Fabry disease is due to inactivating mutations in the X-linked GLA gene resulting in deficiency of the enzyme Alpha Galactosidase-A., loss of function.

Submission:

Genomenon, Inc
Classification: Likely pathogenic for Fabry disease. Last evaluated: 2026-09-08. Review status: criteria provided, single submitter. Criteria: Genomenon Sequence Variant Interpretation Standards - Updated. Collection method: curation. Allele origin: germline. Affected: yes.
Comment: GLA p.Leu387Pro (c.1160_1161delinsCT) is a deletion-insertion variant that changes the amino acid at codon 387 from Leucine to Proline. This variant has been observed in at least one proband with clinical features consistent with Fabry disease (PMID:28509189). The variant was found to segregate with disease in at least one affected family (PMID:28509189). Functional or patient cell studies have been reported (PMID:28509189). It is absent or not present at a significant frequency in gnomAD. In silico models predict that this variant is possibly or probably damaging. In conclusion, we classify GLA p.Leu387Pro (c.1160_1161delinsCT) as a likely pathogenic variant.

Literature cited by the submitters: PubMed 28509189.